The following is an entry in ClinVar:

NM_000214.3(JAG1):c.1182C>T (p.Asn394=)

Gene: JAG1 (jagged canonical Notch ligand 1; minus strand). Cytogenetic location: 20p12.2.
Variant type: single nucleotide variant.
Coding change: c.1182C>T on transcript NM_000214.3 (MANE Select); coding-DNA position 1182, C replaced by T.
Protein change: p.Asn394=; no amino-acid change (asparagine 394 retained).
Molecular consequence: synonymous variant.
Genome position (GRCh38, 1-based): chr20:10,650,299, G>A on the plus strand (C>T on the coding strand, the complement: JAG1 is on the minus strand). VCF-style: chr20-10650299-G-A. GRCh37 (hg19) VCF-style: chr20-10630947-G-A.
Identifiers: ClinVar variation 699426 (VCV000699426.16), dbSNP rs372951958, ClinGen allele CA9764960.

ClinVar aggregate classification (germline): Likely benign. Review status: criteria provided, multiple submitters, no conflicts (2 of 4 stars). 4 submissions from 4 submitters: Likely benign (4). Last evaluated 2026-07-01.

Conditions:
Alagille syndrome due to a JAG1 point mutation. Also called: HEPATIC DUCTULAR HYPOPLASIA, SYNDROMATIC; Alagille Syndrome 1; JAG1-Related Alagille Syndrome. Identifiers: Orphanet 261619, Orphanet 52, MedGen C1956125, MONDO:0016862, OMIM 118450.
Cardiovascular phenotype. Identifiers: MedGen CN230736.

Allele frequency attached by ClinVar (database versions not stated): ExAC 0.00002; gnomAD 0.00004; gnomAD exomes 0.00004 and 0.00008; TOPMed 0.00004; ESP Exome Variant Server 0.00008.
gnomAD v4.1: 125 of 1,613,924 alleles (0.0077%); highest among the groups gnomAD compares: Non-Finnish European, 0.01%; no homozygotes.

Submissions (4):

CeGaT Center for Human Genetics Tuebingen
Classification: Likely benign. Last evaluated: 2026-07-01. Review status: criteria provided, single submitter. Criteria: CeGaT Center For Human Genetics Tuebingen Variant Classification Criteria Version 2. Collection method: clinical testing. Allele origin: germline. Affected: yes. Observed: 2 variant alleles.
Comment: JAG1: BP4, BP7

Labcorp Genetics (formerly Invitae), Labcorp
Classification: Likely benign for Alagille syndrome due to a JAG1 point mutation. Last evaluated: 2025-09-02. Review status: criteria provided, single submitter. Criteria: Invitae Variant Classification Sherloc (09022015). Collection method: clinical testing. Allele origin: germline.

Blueprint Genetics
Classification: Likely benign. Last evaluated: 2024-07-02. Review status: criteria provided, single submitter. Criteria: ACMG Guidelines, 2015. Collection method: clinical testing. Allele origin: germline.

Ambry Genetics
Classification: Likely benign for Cardiovascular phenotype. Last evaluated: 2022-04-19. Review status: criteria provided, single submitter. Criteria: Ambry Variant Classification Scheme 2023. Collection method: clinical testing. Allele origin: germline.